The following is an entry in ClinVar:

NM_030973.4(MED25):c.1888C>A (p.Pro630Thr)

Gene: MED25 (mediator complex subunit 25; plus strand). Cytogenetic location: 19q13.33.
Variant type: single nucleotide variant.
Coding change: c.1888C>A on transcript NM_030973.4 (MANE Select); coding-DNA position 1888, C replaced by A.
Protein change: p.Pro630Thr; replaces proline 630 with threonine.
Molecular consequence: missense variant.
Genome position (GRCh38, 1-based): chr19:49,835,868, C>A. VCF-style: chr19-49835868-C-A. GRCh37 (hg19) VCF-style: chr19-50339125-C-A.
Other names: c.1888C>A, p.Pro630Thr (NM_001378355.1); short protein forms P630T.
Identifiers: ClinVar variation 1043861 (VCV001043861.6), dbSNP rs900142190, ClinGen allele CA309520719.

ClinVar aggregate classification (germline): Uncertain significance (1 of 4 stars; one submission).

Conditions:
Charcot-Marie-Tooth disease type 2. Also called: Charcot-Marie-Tooth type 2. Identifiers: Orphanet 64746, MedGen C0270914, MONDO:0018993.

Allele frequency attached by ClinVar (database versions not stated): TOPMed 0.00002; gnomAD exomes 0.00001.
gnomAD v4.1: 14 of 1,612,752 alleles (0.00087%); highest among the groups gnomAD compares: African/African-American, 0.0027%; no homozygotes.

Submission:

Labcorp Genetics (formerly Invitae), Labcorp
Classification: Uncertain significance for Charcot-Marie-Tooth disease type 2. Last evaluated: 2021-08-27. Review status: criteria provided, single submitter. Criteria: Invitae Variant Classification Sherloc (09022015). Collection method: clinical testing. Allele origin: germline.
Comment: This sequence change replaces proline with threonine at codon 630 of the MED25 protein (p.Pro630Thr). The proline residue is moderately conserved and there is a small physicochemical difference between proline and threonine. This variant is not present in population databases (ExAC no frequency). This variant has not been reported in the literature in individuals affected with MED25-related conditions. Algorithms developed to predict the effect of missense changes on protein structure and function (SIFT, PolyPhen-2, Align-GVGD) all suggest that this variant is likely to be tolerated. In summary, the available evidence is currently insufficient to determine the role of this variant in disease. Therefore, it has been classified as a Variant of Uncertain Significance.